The following is an entry in ClinVar:

NM_024649.5(BBS1):c.1643dup (p.Glu549fs)

Genes: BBS1 (Bardet-Biedl syndrome 1; plus strand), ZDHHC24 (zDHHC palmitoyltransferase 24; minus strand). Cytogenetic location: 11q13.2.
Variant type: Duplication.
Coding change: c.1643dup on transcript NM_024649.5 (MANE Select); coding-DNA position 1643, one base duplicated (T; older notation c.1643dupT).
Protein change: p.Glu549fs; shifts the reading frame from glutamic acid 549.
Molecular consequence: frameshift variant. On other transcripts: intron variant (1).
Genome position (GRCh38, 1-based): chr11:66,531,690, T duplicated. VCF-style (leftmost placement, unchanged base first): chr11-66531689-C-CT. GRCh37 (hg19) VCF-style: chr11-66299160-C-CT.
Other names: c.560-2202dup (NM_001348571.2); short protein forms E549fs.
Identifiers: ClinVar variation 371262 (VCV000371262.17), dbSNP rs773632109, ClinGen allele CA16041532.

ClinVar aggregate classification (germline): Pathogenic/Likely pathogenic. Review status: criteria provided, multiple submitters, no conflicts (2 of 4 stars). 4 submissions from 4 submitters: Pathogenic (2); Likely pathogenic (1). 1 of the submissions does not count toward it. Last evaluated 2024-12-18.

Conditions:
Bardet-Biedl syndrome (BBS). Identifiers: Orphanet 110, MedGen C0752166, MONDO:0015229.
BBS1-related disorder. Also called: BBS1-related condition.
Bardet-Biedl syndrome 1 (BBS1). Identifiers: MedGen C2936862, MONDO:0008854, OMIM 209900. Disease mechanism: loss of function.

Allele frequency attached by ClinVar (database versions not stated): TOPMed below 0.00001; gnomAD exomes 0.00001.

Submissions (4):

Labcorp Genetics (formerly Invitae), Labcorp
Classification: Pathogenic for Bardet-Biedl syndrome. Last evaluated: 2024-12-18. Review status: criteria provided, single submitter. Criteria: Invitae Variant Classification Sherloc (09022015). Collection method: clinical testing. Allele origin: germline.
Comment: This sequence change creates a premature translational stop signal (p.Glu549Glyfs*9) in the BBS1 gene. While this is not anticipated to result in nonsense mediated decay, it is expected to disrupt the last 45 amino acid(s) of the BBS1 protein. This variant is not present in population databases (gnomAD no frequency). This premature translational stop signal has been observed in individual(s) with BBS1-related conditions (internal data). ClinVar contains an entry for this variant (Variation ID: 371262). This variant disrupts a region of the BBS1 protein in which other variant(s) (p.Arg570*) have been determined to be pathogenic (PMID: 25170860, 28559085). This suggests that this is a clinically significant region of the protein, and that variants that disrupt it are likely to be disease-causing. For these reasons, this variant has been classified as Pathogenic.

PreventionGenetics, part of Exact Sciences
Classification: Pathogenic for BBS1-related condition. Last evaluated: 2024-10-04. Review status: criteria provided, single submitter. Criteria: ACMG Guidelines, 2015. Collection method: clinical testing. Allele origin: germline.
Comment: The BBS1 c.1643dupT variant is predicted to result in a frameshift and premature protein termination (p.Glu549Glyfs*9). This variant was reported with a pathogenic variant in an individual with retinal disease (Table S1 in Lin et al. 2024. PubMed ID: 38219857). Another premature termination, p.Glu549*, has been reported to be causative in individuals with Bardet-Biedl syndrome or suspected non-syndromic retinitis pigmentosa (Mykytyn et al. 2002. PubMed ID: 12118255; Wang et al. 2016. PubMed ID: 27788217). This variant has not been reported in a large population database, indicating this variant is rare. Frameshift variants in BBS1 are expected to be pathogenic. This variant is interpreted as pathogenic.

Fulgent Genetics
Classification: Likely pathogenic for Bardet-Biedl syndrome 1. Last evaluated: 2024-04-13. Review status: criteria provided, single submitter. Criteria: ACMG Guidelines, 2015. Collection method: clinical testing. Allele origin: germline.

Counsyl
Classification: Likely pathogenic for Bardet-Biedl syndrome 1. Last evaluated: 2016-08-17. Review status: no assertion criteria provided. Collection method: clinical testing. Allele origin: unknown. Not counted in ClinVar's aggregate classification.

Literature cited by the submitters: PubMed 25170860 (cited by Labcorp Genetics (formerly Invitae), Labcorp); PubMed 28559085 (cited by Labcorp Genetics (formerly Invitae), Labcorp).